The following is an entry in ClinVar:

ClinVar aggregate classification (germline): Uncertain significance. Review status: criteria provided, multiple submitters, no conflicts (2 of 4 stars). 2 submissions from 2 submitters: Uncertain significance (2). Last evaluated 2026-06-04.

Conditions:
MECOM-related disorder. Also called: MECOM-related condition.

gnomAD v4.1: 1 of 1,614,138 alleles (0.000062%); highest among the groups gnomAD compares: Admixed American, 0.0017%; no homozygotes.

Submissions (2):

PreventionGenetics, part of Exact Sciences
Classification: Uncertain significance for MECOM-related condition. Last evaluated: 2026-06-04. Review status: criteria provided, single submitter. Criteria: ACMG Guidelines, 2015. Collection method: clinical testing. Allele origin: germline.
Comment: The MECOM c.1212A>C variant is predicted to result in the amino acid substitution p.Gln404His. To our knowledge, this variant has not been reported in the literature. This variant is reported in 0.0029% of alleles in individuals of Latino descent in gnomAD. At this time, the clinical significance of this variant is uncertain due to the absence of conclusive functional and genetic evidence.

Labcorp Genetics (formerly Invitae), Labcorp
Classification: Uncertain significance. Last evaluated: 2024-04-02. Review status: criteria provided, single submitter. Criteria: Invitae Variant Classification Sherloc (09022015). Collection method: clinical testing. Allele origin: germline.
Comment: This sequence change replaces glutamine, which is neutral and polar, with histidine, which is basic and polar, at codon 216 of the MECOM protein (p.Gln216His). This variant is present in population databases (no rsID available, gnomAD 0.003%). This variant has not been reported in the literature in individuals affected with MECOM-related conditions. An algorithm developed to predict the effect of missense changes on protein structure and function (PolyPhen-2) suggests that this variant is likely to be disruptive. In summary, the available evidence is currently insufficient to determine the role of this variant in disease. Therefore, it has been classified as a Variant of Uncertain Significance.

NM_004991.4(MECOM):c.1212A>C (p.Gln404His)

Gene: MECOM (MDS1 and EVI1 complex locus; minus strand). Cytogenetic location: 3q26.2.
Variant type: single nucleotide variant.
Coding change: c.1212A>C on transcript NM_004991.4 (MANE Select); coding-DNA position 1212, A replaced by C.
Protein change: p.Gln404His; replaces glutamine 404 with histidine.
Molecular consequence: missense variant. On other transcripts: intron variant (2).
Genome position (GRCh38, 1-based): chr3:169,116,660, T>G on the plus strand (A>C on the coding strand, the complement: MECOM is on the minus strand). VCF-style: chr3-169116660-T-G. GRCh37 (hg19) VCF-style: chr3-168834448-T-G.
Other names: c.648A>C, p.Gln216His (NM_001164000.2, NM_001205194.2, NM_001366469.2 and 4 more transcripts); c.1212A>C, p.Gln404His (NM_001366466.2); c.651A>C, p.Gln217His (NM_001366467.2, NM_001366468.2, NM_001366470.2 and 1 more transcripts); c.1133-893A>C (NM_001366473.2); c.569-893A>C (NM_001366474.2); c.843A>C, p.Gln281His (NM_001105077.4); c.1212A>C (NM_004991.3); short protein forms Q281H, Q404H, Q216H, Q217H.
Identifiers: ClinVar variation 3676628 (VCV003676628.3).